The following is an entry in ClinVar:

NM_018941.4(CLN8):c.801G>C (p.Gln267His)

Gene: CLN8 (CLN8 transmembrane ER and ERGIC protein; plus strand). Cytogenetic location: 8p23.3.
Variant type: single nucleotide variant.
Coding change: c.801G>C on transcript NM_018941.4 (MANE Select); coding-DNA position 801, G replaced by C.
Protein change: p.Gln267His; replaces glutamine 267 with histidine.
Molecular consequence: missense variant.
Genome position (GRCh38, 1-based): chr8:1,780,507, G>C. VCF-style: chr8-1780507-G-C. GRCh37 (hg19) VCF-style: chr8-1728673-G-C.
Other names: short protein forms Q267H.
Identifiers: ClinVar variation 2007158 (VCV002007158.1), dbSNP rs374652311, ClinGen allele CA4599359.

ClinVar aggregate classification (germline): Uncertain significance (1 of 4 stars; one submission).

Conditions:
Neuronal ceroid lipofuscinosis. Also called: Neuronal Ceroid Lipofuscinoses. Identifiers: Orphanet 216, Orphanet 79263, MedGen C0027877, MONDO:0016295. Disease mechanism: loss of function.

Submission:

Labcorp Genetics (formerly Invitae), Labcorp
Classification: Uncertain significance for Neuronal ceroid lipofuscinosis. Last evaluated: 2022-06-16. Review status: criteria provided, single submitter. Criteria: Invitae Variant Classification Sherloc (09022015). Collection method: clinical testing. Allele origin: germline.
Comment: This sequence change replaces glutamine, which is neutral and polar, with histidine, which is basic and polar, at codon 267 of the CLN8 protein (p.Gln267His). This variant is present in population databases (rs374652311, gnomAD 0.006%). This variant has not been reported in the literature in individuals affected with CLN8-related conditions. Advanced modeling of protein sequence and biophysical properties (such as structural, functional, and spatial information, amino acid conservation, physicochemical variation, residue mobility, and thermodynamic stability) performed at Invitae indicates that this missense variant is not expected to disrupt CLN8 protein function. In summary, the available evidence is currently insufficient to determine the role of this variant in disease. Therefore, it has been classified as a Variant of Uncertain Significance.